The following is an entry in ClinVar:

NM_001457.4(FLNB):c.181C>G (p.Arg61Gly)

Gene: FLNB (filamin B; plus strand). Cytogenetic location: 3p14.3.
Variant type: single nucleotide variant.
Coding change: c.181C>G on transcript NM_001457.4 (MANE Select); coding-DNA position 181, C replaced by G.
Protein change: p.Arg61Gly; replaces arginine 61 with glycine.
Molecular consequence: missense variant.
Genome position (GRCh38, 1-based): chr3:58,008,745, C>G. VCF-style: chr3-58008745-C-G. GRCh37 (hg19) VCF-style: chr3-57994472-C-G.
Other names: c.181C>G, p.Arg61Gly (NM_001164317.2, NM_001164318.2, NM_001164319.2); short protein forms R61G.
Identifiers: ClinVar variation 2188161 (VCV002188161.4), dbSNP rs1241394741, ClinGen allele CA353413166.

ClinVar aggregate classification (germline): Uncertain significance (1 of 4 stars; one submission).

Allele frequency attached by ClinVar (database versions not stated): gnomAD 0.00001.
gnomAD v4.1: 6 of 1,614,008 alleles (0.00037%); highest among the groups gnomAD compares: Non-Finnish European, 0.00051%; no homozygotes.

Submission:

Labcorp Genetics (formerly Invitae), Labcorp
Classification: Uncertain significance. Last evaluated: 2022-04-08. Review status: criteria provided, single submitter. Criteria: Invitae Variant Classification Sherloc (09022015). Collection method: clinical testing. Allele origin: germline.
Comment: In summary, the available evidence is currently insufficient to determine the role of this variant in disease. Therefore, it has been classified as a Variant of Uncertain Significance. Advanced modeling of protein sequence and biophysical properties (such as structural, functional, and spatial information, amino acid conservation, physicochemical variation, residue mobility, and thermodynamic stability) performed at Invitae indicates that this missense variant is not expected to disrupt FLNB protein function. This variant has not been reported in the literature in individuals affected with FLNB-related conditions. This variant is present in population databases (no rsID available, gnomAD 0.007%). This sequence change replaces arginine, which is basic and polar, with glycine, which is neutral and non-polar, at codon 61 of the FLNB protein (p.Arg61Gly).